The following is an entry in ClinVar:

NM_005228.5(EGFR):c.2801C>T (p.Pro934Leu)

Gene: EGFR (epidermal growth factor receptor; plus strand). Cytogenetic location: 7p11.2.
Variant type: single nucleotide variant.
Coding change: c.2801C>T on transcript NM_005228.5 (MANE Select); coding-DNA position 2801, C replaced by T.
Protein change: p.Pro934Leu; replaces proline 934 with leucine.
Molecular consequence: missense variant.
Genome position (GRCh38, 1-based): chr7:55,198,816, C>T. VCF-style: chr7-55198816-C-T. GRCh37 (hg19) VCF-style: chr7-55266509-C-T.
Other names: c.2801C>T (NM_005228.3); c.2666C>T, p.Pro889Leu (NM_001346897.2, NM_001346899.2); c.2801C>T, p.Pro934Leu (NM_001346898.2); c.2642C>T, p.Pro881Leu (NM_001346900.2); c.2000C>T, p.Pro667Leu (NM_001346941.2); short protein forms P881L, P889L, P934L, P667L.
Identifiers: ClinVar variation 1040750 (VCV001040750.9), dbSNP rs1562803717, ClinGen allele CA367581386.

ClinVar aggregate classification (germline): Uncertain significance. Review status: criteria provided, multiple submitters, no conflicts (2 of 4 stars). 2 submissions from 2 submitters: Uncertain significance (2). Last evaluated 2024-12-23.

Conditions:
Hereditary cancer-predisposing syndrome. Also called: Hereditary Cancer Syndrome; Tumor predisposition; Hereditary neoplastic syndrome; Neoplastic Syndromes, Hereditary. Identifiers: Orphanet 140162, MedGen C0027672, MeSH D009386, MONDO:0015356.
EGFR-related lung cancer (EGFR). Identifiers: MedGen CN130014.

Allele frequency attached by ClinVar (database versions not stated): gnomAD exomes below 0.00001.
gnomAD v4.1: 4 of 1,614,242 alleles (0.00025%); highest among the groups gnomAD compares: Non-Finnish European, 0.00034%; no homozygotes.

Submissions (2):

Ambry Genetics
Classification: Uncertain significance for Hereditary cancer-predisposing syndrome. Last evaluated: 2024-12-23. Review status: criteria provided, single submitter. Criteria: Ambry Variant Classification Scheme 2023. Collection method: clinical testing. Allele origin: germline.
Comment: The p.P934L variant (also known as c.2801C>T), located in coding exon 23 of the EGFR gene, results from a C to T substitution at nucleotide position 2801. The proline at codon 934 is replaced by leucine, an amino acid with similar properties. This amino acid position is highly conserved in available vertebrate species. In addition, the in silico prediction for this alteration is inconclusive. Based on the available evidence, the clinical significance of this variant remains unclear.

Labcorp Genetics (formerly Invitae), Labcorp
Classification: Uncertain significance for EGFR-related lung cancer. Last evaluated: 2024-04-26. Review status: criteria provided, single submitter. Criteria: Invitae Variant Classification Sherloc (09022015). Collection method: clinical testing. Allele origin: germline.
Comment: This sequence change replaces proline, which is neutral and non-polar, with leucine, which is neutral and non-polar, at codon 934 of the EGFR protein (p.Pro934Leu). This variant is not present in population databases (gnomAD no frequency). This variant has not been reported in the literature in individuals affected with EGFR-related conditions. ClinVar contains an entry for this variant (Variation ID: 1040750). Advanced modeling of protein sequence and biophysical properties (such as structural, functional, and spatial information, amino acid conservation, physicochemical variation, residue mobility, and thermodynamic stability) performed at Invitae indicates that this missense variant is not expected to disrupt EGFR protein function with a negative predictive value of 80%. In summary, the available evidence is currently insufficient to determine the role of this variant in disease. Therefore, it has been classified as a Variant of Uncertain Significance.